The following is an entry in ClinVar:

NM_152296.5(ATP1A3):c.961A>C (p.Asn321His)

Gene: ATP1A3 (ATPase Na+/K+ transporting subunit alpha 3; minus strand). Cytogenetic location: 19q13.2.
Variant type: single nucleotide variant.
Coding change: c.961A>C on transcript NM_152296.5 (MANE Select); coding-DNA position 961, A replaced by C.
Protein change: p.Asn321His; replaces asparagine 321 with histidine.
Molecular consequence: missense variant.
Genome position (GRCh38, 1-based): chr19:41,984,950, T>G on the plus strand (A>C on the coding strand, the complement: ATP1A3 is on the minus strand). VCF-style: chr19-41984950-T-G. GRCh37 (hg19) VCF-style: chr19-42489102-T-G.
Other names: c.994A>C, p.Asn332His (NM_001256213.2); c.1000A>C, p.Asn334His (NM_001256214.2); short protein forms N332H, N334H, N321H.
Identifiers: ClinVar variation 2326590 (VCV002326590.2), dbSNP rs2514075231, ClinGen allele CA406052204.

ClinVar aggregate classification (germline): Uncertain significance (1 of 4 stars; one submission).

Conditions:
Inborn genetic diseases. Identifiers: MedGen C0950123, MeSH D030342.

Submission:

Ambry Genetics
Classification: Uncertain significance for Inborn genetic diseases. Last evaluated: 2022-12-22. Review status: criteria provided, single submitter. Criteria: Ambry Variant Classification Scheme 2023. Collection method: clinical testing. Allele origin: germline.
Comment: The c.961A>C (p.N321H) alteration is located in exon 8 (coding exon 8) of the ATP1A3 gene. This alteration results from an A to C substitution at nucleotide position 961, causing the asparagine (N) at amino acid position 321 to be replaced by a histidine (H). This variant was not reported in population-based cohorts in the Genome Aggregation Database (gnomAD). This variant has been previously reported in a patient with myoclonus (Montaut, 2018). This amino acid position is highly conserved in available vertebrate species. This missense alteration is located in a region that has a low rate of benign missense variation (Lek, 2016; Firth, 2009). The in silico prediction for this alteration is inconclusive. Based on insufficient or conflicting evidence, the clinical significance of this alteration remains unclear.

Literature cited by the submitters: PubMed 29913018.